The following is an entry in ClinVar:

ClinVar aggregate classification (germline): Uncertain significance. Review status: criteria provided, multiple submitters, no conflicts (2 of 4 stars). 2 submissions from 2 submitters: Uncertain significance (2). Last evaluated 2025-06-12.

Conditions:
Epidermolysis bullosa simplex with nail dystrophy (EBS5D). Identifiers: MedGen C4225309, MONDO:0014661, OMIM 616487.
Epidermolysis bullosa simplex, Ogna type (EBS5A). Also called: EPIDERMOLYSIS BULLOSA SIMPLEX 5A, OGNA TYPE; Pidermolysis bullosa simplex 5A, Ogna type. Identifiers: Orphanet 79401, MedGen C0432317, MONDO:0007555, OMIM 131950.
Epidermolysis bullosa simplex 5C, with pyloric atresia (EBS5C). Also called: PLEC1-Related Epidermolysis Bullosa with Pyloric Atresia; PLEC-Related Epidermolysis Bullosa with Pyloric Atresia; Epidermolysis bullosa simplex with pyloric atresia. Identifiers: Orphanet 158684, MedGen C2677349, MONDO:0012807, OMIM 612138.
Autosomal recessive limb-girdle muscular dystrophy type 2Q (LGMDR17). Also called: MUSCULAR DYSTROPHY, LIMB-GIRDLE, AUTOSOMAL RECESSIVE 17. Identifiers: Orphanet 254361, MedGen C3150989, MONDO:0013390, OMIM 613723.
Epidermolysis bullosa simplex 5B, with muscular dystrophy (EBS5B). Also called: EPIDERMOLYSIS BULLOSA SIMPLEX AND LIMB-GIRDLE MUSCULAR DYSTROPHY; Epidermolysis bullosa simplex with muscular dystrophy. Identifiers: Orphanet 257, MedGen C2931072, MONDO:0009181, OMIM 226670.

Allele frequency attached by ClinVar (database versions not stated): gnomAD 0.00001; TOPMed 0.00001.
gnomAD v4.1: 23 of 1,581,470 alleles (0.0015%); highest among the groups gnomAD compares: East Asian, 0.0046%; no homozygotes.

Submissions (2):

Mayo Clinic Laboratories, Mayo Clinic
Classification: Uncertain significance. Last evaluated: 2025-06-12. Review status: criteria provided, single submitter. Criteria: ACMG Guidelines, 2015. Collection method: clinical testing. Allele origin: germline. Observed: 1 variant allele.
Comment: BP4

Labcorp Genetics (formerly Invitae), Labcorp
Classification: Uncertain significance for Autosomal recessive limb-girdle muscular dystrophy type 2Q; Epidermolysis bullosa simplex, Ogna type; Epidermolysis bullosa simplex with nail dystrophy; Epidermolysis bullosa simplex 5C, with pyloric atresia; Epidermolysis bullosa simplex 5B, with muscular dystrophy. Last evaluated: 2023-10-05. Review status: criteria provided, single submitter. Criteria: Invitae Variant Classification Sherloc (09022015). Collection method: clinical testing. Allele origin: germline.
Comment: This sequence change replaces arginine, which is basic and polar, with glutamine, which is neutral and polar, at codon 2124 of the PLEC protein (p.Arg2124Gln). The frequency data for this variant in the population databases is considered unreliable, as metrics indicate poor data quality at this position in the gnomAD database. This variant has not been reported in the literature in individuals affected with PLEC-related conditions. An algorithm developed to predict the effect of missense changes on protein structure and function (PolyPhen-2) suggests that this variant is likely to be tolerated. In summary, the available evidence is currently insufficient to determine the role of this variant in disease. Therefore, it has been classified as a Variant of Uncertain Significance.

NM_201384.3(PLEC):c.6290G>A (p.Arg2097Gln)

Gene: PLEC (plectin; minus strand). Cytogenetic location: 8q24.3.
Variant type: single nucleotide variant.
Coding change: c.6290G>A on transcript NM_201384.3 (MANE Select); coding-DNA position 6290, G replaced by A.
Protein change: p.Arg2097Gln; replaces arginine 2097 with glutamine.
Molecular consequence: missense variant. On other transcripts: intron variant (1).
Genome position (GRCh38, 1-based): chr8:143,923,639, C>T on the plus strand (G>A on the coding strand, the complement: PLEC is on the minus strand). VCF-style: chr8-143923639-C-T. GRCh37 (hg19) VCF-style: chr8-144997807-C-T.
Other names: p.Arg2124Gln; c.6371G>A, p.Arg2124Gln (NM_000445.5); c.6248G>A, p.Arg2083Gln (NM_201378.4); c.6224G>A, p.Arg2075Gln (NM_201379.3); c.6701G>A, p.Arg2234Gln (NM_201380.4); c.6194G>A, p.Arg2065Gln (NM_201381.3); c.6290G>A, p.Arg2097Gln (NM_201382.4); c.6302G>A, p.Arg2101Gln (NM_201383.3); and 1 more; short protein forms R2124Q, R2083Q, R2101Q, R2075Q, R2097Q, R2234Q, R2065Q.
Identifiers: ClinVar variation 2924885 (VCV002924885.4), dbSNP rs1470008713, ClinGen allele CA372535889.